The following is an entry in ClinVar:

NM_002528.7(NTHL1):c.502A>C (p.Ile168Leu)

Gene: NTHL1 (nth like DNA glycosylase 1; minus strand). Cytogenetic location: 16p13.3.
Variant type: single nucleotide variant.
Coding change: c.502A>C on transcript NM_002528.7 (MANE Select); coding-DNA position 502, A replaced by C.
Protein change: p.Ile168Leu; replaces isoleucine 168 with leucine.
Molecular consequence: missense variant. On other transcripts: intron variant (1).
Genome position (GRCh38, 1-based): chr16:2,044,653, T>G on the plus strand (A>C on the coding strand, the complement: NTHL1 is on the minus strand). VCF-style: chr16-2044653-T-G. GRCh37 (hg19) VCF-style: chr16-2094654-T-G.
Other names: c.172A>C, p.Ile58Leu (NM_001318194.2); c.355-927A>C (NM_001318193.2); short protein forms I168L, I58L.
Identifiers: ClinVar variation 1746481 (VCV001746481.3), dbSNP rs1596220283, ClinGen allele CA394294124.

ClinVar aggregate classification (germline): Uncertain significance (1 of 4 stars; one submission).

Conditions:
Hereditary cancer-predisposing syndrome. Also called: Hereditary Cancer Syndrome; Neoplastic Syndromes, Hereditary; Tumor predisposition; Hereditary neoplastic syndrome. Identifiers: Orphanet 140162, MedGen C0027672, MeSH D009386, MONDO:0015356.

Submission:

Ambry Genetics
Classification: Uncertain significance for Hereditary cancer-predisposing syndrome. Last evaluated: 2025-04-25. Review status: criteria provided, single submitter. Criteria: Ambry Variant Classification Scheme 2023. Collection method: clinical testing. Allele origin: germline.
Comment: The p.I176L variant (also known as c.526A>C), located in coding exon 3 of the NTHL1 gene, results from an A to C substitution at nucleotide position 526. The isoleucine at codon 176 is replaced by leucine, an amino acid with highly similar properties. This amino acid position is conserved. In addition, this alteration is predicted to be deleterious by in silico analysis. Since supporting evidence is limited at this time, the clinical significance of this alteration remains unclear.